The following is an entry in ClinVar:

ClinVar aggregate classification (germline): Uncertain significance (1 of 4 stars; one submission).

Conditions:
Spastic paraplegia. Identifiers: MedGen C0037772, HP:0001258.

Submission:

Labcorp Genetics (formerly Invitae), Labcorp
Classification: Uncertain significance for Spastic paraplegia. Last evaluated: 2022-07-27. Review status: criteria provided, single submitter. Criteria: Invitae Variant Classification Sherloc (09022015). Collection method: clinical testing. Allele origin: germline.
Comment: This sequence change replaces methionine, which is neutral and non-polar, with arginine, which is basic and polar, at codon 68 of the KIF5A protein (p.Met68Arg). This variant is not present in population databases (gnomAD no frequency). This variant has not been reported in the literature in individuals affected with KIF5A-related conditions. Advanced modeling of protein sequence and biophysical properties (such as structural, functional, and spatial information, amino acid conservation, physicochemical variation, residue mobility, and thermodynamic stability) performed at Invitae indicates that this missense variant is not expected to disrupt KIF5A protein function. In summary, the available evidence is currently insufficient to determine the role of this variant in disease. Therefore, it has been classified as a Variant of Uncertain Significance.

NM_004984.4(KIF5A):c.203T>G (p.Met68Arg)

Gene: KIF5A (kinesin family member 5A; plus strand). Cytogenetic location: 12q13.3.
Variant type: single nucleotide variant.
Coding change: c.203T>G on transcript NM_004984.4 (MANE Select); coding-DNA position 203, T replaced by G.
Protein change: p.Met68Arg; replaces methionine 68 with arginine.
Molecular consequence: missense variant. On other transcripts: intron variant (1).
Genome position (GRCh38, 1-based): chr12:57,563,512, T>G. VCF-style: chr12-57563512-T-G. GRCh37 (hg19) VCF-style: chr12-57957295-T-G.
Other names: c.130-948T>G (NM_001354705.2); short protein forms M68R.
Identifiers: ClinVar variation 1713952 (VCV001713952.5), dbSNP rs1230201278, ClinGen allele CA385492850.